The following is an entry in ClinVar:

ClinVar aggregate classification (germline): Uncertain significance (1 of 4 stars; one submission).

Conditions:
Familial cold autoinflammatory syndrome 2 (FCAS2). Identifiers: Orphanet 247868, MedGen C2673198, MONDO:0012724, OMIM 611762.

Submission:

Labcorp Genetics (formerly Invitae), Labcorp
Classification: Uncertain significance for Familial cold autoinflammatory syndrome 2. Last evaluated: 2023-08-06. Review status: criteria provided, single submitter. Criteria: Invitae Variant Classification Sherloc (09022015). Collection method: clinical testing. Allele origin: germline.
Comment: This variant is a gross deletion of the genomic region encompassing exon(s) 2 of the NLRP12 gene. This variant would be expected to be in-frame, preserving the integrity of the reading frame. In summary, the available evidence is currently insufficient to determine the role of this variant in disease. Therefore, it has been classified as a Variant of Uncertain Significance. Experimental studies and prediction algorithms are not available or were not evaluated, and the functional significance of this variant is currently unknown. This variant has not been reported in the literature in individuals affected with NLRP12-related conditions.

NC_000019.10:g.(?_53814888)_(53815008_?)del

Gene: NLRP12 (NLR family pyrin domain containing 12; minus strand). Cytogenetic location: 19q13.42.
Variant type: Deletion.
Identifiers: ClinVar variation 654105 (VCV000654105.7).